The following is an entry in ClinVar:

NM_017514.5(PLXNA3):c.3839C>T (p.Thr1280Met)

Gene: PLXNA3 (plexin A3; plus strand). Cytogenetic location: Xq28.
Variant type: single nucleotide variant.
Coding change: c.3839C>T on transcript NM_017514.5 (MANE Select); coding-DNA position 3839, C replaced by T.
Protein change: p.Thr1280Met; replaces threonine 1280 with methionine.
Molecular consequence: missense variant.
Genome position (GRCh38, 1-based): chrX:154,468,100, C>T. VCF-style: chrX-154468100-C-T. GRCh37 (hg19) VCF-style: chrX-153696443-C-T.
Other names: short protein forms T1280M.
Identifiers: ClinVar variation 4978448 (VCV004978448.1).

ClinVar aggregate classification (germline): Uncertain significance (1 of 4 stars; one submission).

Conditions:
PLXNA3-related disorder. Also called: PLXNA3-related condition.

gnomAD v4.1: 2 of 1,190,113 alleles (0.00017%); highest among the groups gnomAD compares: Non-Finnish European, 0.00023%; no homozygotes.

Submission:

PreventionGenetics, part of Exact Sciences
Classification: Uncertain significance for PLXNA3-related condition. Last evaluated: 2025-10-15. Review status: criteria provided, single submitter. Criteria: ACMG Guidelines, 2015. Collection method: clinical testing. Allele origin: germline.
Comment: The PLXNA3 c.3839C>T variant is predicted to result in the amino acid substitution p.Thr1280Met. To our knowledge, this variant has not been reported in the literature. This variant is reported in 0.0077% of alleles in individuals of African descent in gnomAD. At this time, the clinical significance of this variant is uncertain due to the absence of conclusive functional and genetic evidence.